The following is an entry in ClinVar:

ClinVar aggregate classification (germline): Uncertain significance. Review status: criteria provided, multiple submitters, no conflicts (2 of 4 stars). 2 submissions from 2 submitters: Uncertain significance (2). Last evaluated 2025-10-16.

Conditions:
Pityriasis rubra pilaris (PRP). Also called: Pityriasis rubra pilaris--familial type. Identifiers: Orphanet 2897, MedGen C0032027, MONDO:0100017, OMIM 173200, MONDO:0008251.
Psoriasis 2. Identifiers: MedGen C1864497, MONDO:0011269, OMIM 602723.

Allele frequency attached by ClinVar (database versions not stated): ESP Exome Variant Server 0.00015.
gnomAD v4.1: 46 of 1,613,254 alleles (0.0029%); highest among the groups gnomAD compares: East Asian, 0.027%; no homozygotes.

Submissions (2):

Labcorp Genetics (formerly Invitae), Labcorp
Classification: Uncertain significance for Pityriasis rubra pilaris; Psoriasis 2. Last evaluated: 2025-10-16. Review status: criteria provided, single submitter. Criteria: Invitae Variant Classification Sherloc (09022015). Collection method: clinical testing. Allele origin: germline.
Comment: This sequence change creates a premature translational stop signal (p.Tyr724*) in the CARD14 gene. It is expected to result in an absent or disrupted protein product. However, the current clinical and genetic evidence is not sufficient to establish whether loss-of-function variants in CARD14 cause disease. This variant is present in population databases (rs141122143, gnomAD 0.07%), and has an allele count higher than expected for a pathogenic variant. This premature translational stop signal has been observed in individual(s) with clinical features of pityriasis rubra pilaris (PMID: 38651209). ClinVar contains an entry for this variant (Variation ID: 1412643). In summary, the available evidence is currently insufficient to determine the role of this variant in disease. Therefore, it has been classified as a Variant of Uncertain Significance.

Blueprint Genetics
Classification: Uncertain significance. Last evaluated: 2023-04-18. Review status: criteria provided, single submitter. Criteria: ACMG Guidelines, 2015. Collection method: clinical testing. Allele origin: germline.

Literature cited by the submitters: PubMed 38651209 (cited by Labcorp Genetics (formerly Invitae), Labcorp).

NM_001366385.1(CARD14):c.2172C>A (p.Tyr724Ter)

Genes: CARD14 (caspase recruitment domain family member 14; plus strand), SGSH (N-sulfoglucosamine sulfohydrolase; minus strand). Cytogenetic location: 17q25.3.
Variant type: single nucleotide variant.
Coding change: c.2172C>A on transcript NM_001366385.1 (MANE Select); coding-DNA position 2172, C replaced by A.
Protein change: p.Tyr724Ter; replaces tyrosine 724 with a stop codon.
Molecular consequence: nonsense. On other transcripts: non-coding transcript variant (1).
Genome position (GRCh38, 1-based): chr17:80,202,373, C>A. VCF-style: chr17-80202373-C-A. GRCh37 (hg19) VCF-style: chr17-78176172-C-A.
Other names: c.2172C>A, p.Tyr724Ter (NM_001257970.1, NM_024110.4); short protein forms Y724*.
Identifiers: ClinVar variation 1412643 (VCV001412643.7), dbSNP rs141122143, ClinGen allele CA8817197.